The following is an entry in ClinVar:

ClinVar aggregate classification (germline): Uncertain significance (1 of 4 stars; one submission).

gnomAD v4.1: 32 of 1,614,078 alleles (0.002%); highest among the groups gnomAD compares: Non-Finnish European, 0.0026%; no homozygotes.

Submission:

Labcorp Genetics (formerly Invitae), Labcorp
Classification: Uncertain significance. Last evaluated: 2024-07-16. Review status: criteria provided, single submitter. Criteria: Invitae Variant Classification Sherloc (09022015). Collection method: clinical testing. Allele origin: germline.
Comment: This sequence change replaces leucine, which is neutral and non-polar, with proline, which is neutral and non-polar, at codon 224 of the GFAP protein (p.Leu224Pro). This variant is not present in population databases (gnomAD no frequency). This variant has not been reported in the literature in individuals affected with GFAP-related conditions. Advanced modeling of protein sequence and biophysical properties (such as structural, functional, and spatial information, amino acid conservation, physicochemical variation, residue mobility, and thermodynamic stability) has been performed at Invitae for this missense variant, however the output from this modeling did not meet the statistical confidence thresholds required to predict the impact of this variant on GFAP protein function. In summary, the available evidence is currently insufficient to determine the role of this variant in disease. Therefore, it has been classified as a Variant of Uncertain Significance.

NM_002055.5(GFAP):c.671T>C (p.Leu224Pro)

Gene: GFAP (glial fibrillary acidic protein; minus strand). Cytogenetic location: 17q21.31.
Variant type: single nucleotide variant.
Coding change: c.671T>C on transcript NM_002055.5 (MANE Select); coding-DNA position 671, T replaced by C.
Protein change: p.Leu224Pro; replaces leucine 224 with proline.
Molecular consequence: missense variant.
Genome position (GRCh38, 1-based): chr17:44,913,378, A>G on the plus strand (T>C on the coding strand, the complement: GFAP is on the minus strand). VCF-style: chr17-44913378-A-G. GRCh37 (hg19) VCF-style: chr17-42990746-A-G.
Other names: c.671T>C, p.Leu224Pro (NM_001131019.3, NM_001242376.3, NM_001363846.2); short protein forms L224P.
Identifiers: ClinVar variation 3607208 (VCV003607208.2).